The following is an entry in ClinVar:

ClinVar aggregate classification (germline): Likely pathogenic (1 of 4 stars; one submission).

Conditions:
Pyruvate dehydrogenase E1-alpha deficiency (PDHAD). Also called: ATAXIA, INTERMITTENT, WITH PYRUVATE DEHYDROGENASE DEFICIENCY; ATAXIA WITH LACTIC ACIDOSIS I; ATAXIA, INTERMITTENT, WITH ABNORMAL PYRUVATE METABOLISM; Ataxia, intermittent, with pyruvate dehydrogenase, or decarboxylase, deficiency. Identifiers: Orphanet 79243, MedGen C1839413, MONDO:0010717, OMIM 312170.

Submission:

UAEU Genomics Laboratory, United Arab Emirates University
Classification: Likely pathogenic for Pyruvate dehydrogenase E1-alpha deficiency. Last evaluated: 2023-01-18. Review status: criteria provided, single submitter. Criteria: ACMG Guidelines, 2015. Collection method: research. Allele origin: de novo. Affected: yes. Observed: 1 variant allele.
Comment: PM2, PVS1, PS2

NM_000284.4(PDHA1):c.910del (p.Arg304fs)

Gene: PDHA1 (pyruvate dehydrogenase E1 subunit alpha 1; plus strand). Cytogenetic location: Xp22.12.
Variant type: Deletion.
Coding change: c.910del on transcript NM_000284.4 (MANE Select); coding-DNA position 910, one base deleted (C; older notation c.910delC).
Protein change: p.Arg304fs; shifts the reading frame from arginine 304.
Molecular consequence: frameshift variant.
Genome position (GRCh38, 1-based): chrX:19,358,926, C deleted. VCF-style (leftmost placement, unchanged base first): chrX-19358925-AC-A. GRCh37 (hg19) VCF-style: chrX-19377043-AC-A.
Other names: c.1024del, p.Arg342fs (NM_001173454.2); c.931del, p.Arg311fs (NM_001173455.2); c.817del, p.Arg273fs (NM_001173456.2); c.910delC (NM_000284.4); short protein forms R273fs, R304fs, R311fs, R342fs.
Identifiers: ClinVar variation 5042571 (VCV005042571.1).
Genomic context (GRCh38, chrX:19,358,925, plus strand): 5'-CTCTACTGGAACTGCTCTTACTGATCGATTACTACTTTTCCCTCCCCATAGTTACCGTAC[AC>A]GAGAAGAAATTCAGGAAGTAAGAAGTAAGAGTGACCCTATTATGCTTCTCAAGGACAGGA-3'